The following is an entry in ClinVar:

ClinVar aggregate classification (germline): Uncertain significance (1 of 4 stars; one submission).

Conditions:
Progressive myoclonic epilepsy. Also called: Familial progressive myoclonic epilepsy; Myoclonus epilepsy; Progressive myoclonus epilepsy; Myoclonic Epilepsies, Progressive. Identifiers: Orphanet 308, Orphanet 98261, MedGen C0751778, MONDO:0020074.

Allele frequency attached by ClinVar (database versions not stated): TOPMed below 0.00001.
gnomAD v4.1: 2 of 1,614,210 alleles (0.00012%); highest among the groups gnomAD compares: Admixed American, 0.0017%; no homozygotes.

Submission:

Labcorp Genetics (formerly Invitae), Labcorp
Classification: Uncertain significance for Progressive myoclonic epilepsy. Last evaluated: 2022-07-06. Review status: criteria provided, single submitter. Criteria: Invitae Variant Classification Sherloc (09022015). Collection method: clinical testing. Allele origin: germline.
Comment: This sequence change replaces lysine, which is basic and polar, with glutamine, which is neutral and polar, at codon 181 of the SCARB2 protein (p.Lys181Gln). This variant is present in population databases (no rsID available, gnomAD 0.003%). This variant has not been reported in the literature in individuals affected with SCARB2-related conditions. Algorithms developed to predict the effect of missense changes on protein structure and function (SIFT, PolyPhen-2, Align-GVGD) all suggest that this variant is likely to be tolerated. In summary, the available evidence is currently insufficient to determine the role of this variant in disease. Therefore, it has been classified as a Variant of Uncertain Significance.

NM_005506.4(SCARB2):c.541A>C (p.Lys181Gln)

Gene: SCARB2 (scavenger receptor class B member 2; minus strand). Cytogenetic location: 4q21.1.
Variant type: single nucleotide variant.
Coding change: c.541A>C on transcript NM_005506.4 (MANE Select); coding-DNA position 541, A replaced by C.
Protein change: p.Lys181Gln; replaces lysine 181 with glutamine.
Molecular consequence: missense variant. On other transcripts: intron variant (1).
Genome position (GRCh38, 1-based): chr4:76,179,588, T>G on the plus strand (A>C on the coding strand, the complement: SCARB2 is on the minus strand). VCF-style: chr4-76179588-T-G. GRCh37 (hg19) VCF-style: chr4-77100741-T-G.
Other names: c.276-3678A>C (NM_001204255.2); short protein forms K181Q.
Identifiers: ClinVar variation 1897520 (VCV001897520.5), dbSNP rs1274722630, ClinGen allele CA357326797.
Genomic context (GRCh38, chr4:76,179,588, plus strand): 5'-GGCCAAAATAGGGAGAGATATCGGGCCTGAAAACATGGATAAGGGACAAGATTTCATCTT[T>G]GTAGCCCCAGAGCAATTCGTCAACTGTGTGAGTCACAAAGAGCTTCTGCTGATAGGCTTT-3'
Protein context (NP_005497.1, residues 171-191): HTVDELLWGY[Lys181Gln]DEILSLIHVF